The following is an entry in ClinVar:

NM_004172.5(SLC1A3):c.1450G>A (p.Val484Ile)

Genes: SLC1A3 (solute carrier family 1 member 3; plus strand), SLC1A3-AS1 (SLC1A3 antisense RNA 1; minus strand). Cytogenetic location: 5p13.2.
Variant type: single nucleotide variant.
Coding change: c.1450G>A on transcript NM_004172.5 (MANE Select); coding-DNA position 1450, G replaced by A.
Protein change: p.Val484Ile; replaces valine 484 with isoleucine.
Molecular consequence: missense variant.
Genome position (GRCh38, 1-based): chr5:36,686,090, G>A. VCF-style: chr5-36686090-G-A. GRCh37 (hg19) VCF-style: chr5-36686192-G-A.
Other names: c.1315G>A, p.Val439Ile (NM_001166695.3); c.1312G>A, p.Val438Ile (NM_001289939.2); c.1114G>A, p.Val372Ile (NM_001289940.2); short protein forms V484I, V438I, V372I, V439I.
Identifiers: ClinVar variation 448404 (VCV000448404.8), dbSNP rs549164007, ClinGen allele CA3235692.

ClinVar aggregate classification (germline): Uncertain significance. Review status: criteria provided, multiple submitters, no conflicts (2 of 4 stars). 3 submissions from 3 submitters: Uncertain significance (3). Last evaluated 2024-12-27.

Conditions:
Inborn genetic diseases. Identifiers: MedGen C0950123, MeSH D030342.

Allele frequency attached by ClinVar (database versions not stated): gnomAD 0.00001; ExAC 0.00002; gnomAD exomes 0.00002; TOPMed 0.00002; 1000 Genomes Project 30x 0.00016; 1000 Genomes Project 0.00020.
gnomAD v4.1: 32 of 1,614,136 alleles (0.002%); highest among the groups gnomAD compares: South Asian, 0.015%; no homozygotes.

Submissions (3):

Athena Diagnostics
Classification: Uncertain significance. Last evaluated: 2024-12-27. Review status: criteria provided, single submitter. Criteria: Athena Diagnostics Criteria. Collection method: clinical testing. Allele origin: unknown.
Comment: Available data are insufficient to determine the clinical significance of the variant at this time. The frequency of this variant in the general population is higher than would generally be expected for pathogenic variants in this gene. Polyphen and MutationTaster predict this amino acid change may be damaging to the protein.

Labcorp Genetics (formerly Invitae), Labcorp
Classification: Uncertain significance. Last evaluated: 2022-09-15. Review status: criteria provided, single submitter. Criteria: Invitae Variant Classification Sherloc (09022015). Collection method: clinical testing. Allele origin: germline.
Comment: This variant is present in population databases (rs549164007, gnomAD 0.01%). This sequence change replaces valine, which is neutral and non-polar, with isoleucine, which is neutral and non-polar, at codon 484 of the SLC1A3 protein (p.Val484Ile). This variant has not been reported in the literature in individuals affected with SLC1A3-related conditions. ClinVar contains an entry for this variant (Variation ID: 448404). Advanced modeling of protein sequence and biophysical properties (such as structural, functional, and spatial information, amino acid conservation, physicochemical variation, residue mobility, and thermodynamic stability) performed at Invitae indicates that this missense variant is not expected to disrupt SLC1A3 protein function. In summary, the available evidence is currently insufficient to determine the role of this variant in disease. Therefore, it has been classified as a Variant of Uncertain Significance.

Ambry Genetics
Classification: Uncertain significance for Inborn genetic diseases. Last evaluated: 2021-08-12. Review status: criteria provided, single submitter. Criteria: Ambry Variant Classification Scheme 2023. Collection method: clinical testing. Allele origin: germline.

Literature cited by the submitters: PubMed 29208948 (cited by Athena Diagnostics).